The following is an entry in ClinVar:

ClinVar aggregate classification (germline): Uncertain significance (1 of 4 stars; one submission).

Conditions:
Hereditary cancer-predisposing syndrome. Also called: Tumor predisposition; Neoplastic Syndromes, Hereditary; Hereditary Cancer Syndrome; Hereditary neoplastic syndrome. Identifiers: Orphanet 140162, MedGen C0027672, MeSH D009386, MONDO:0015356.

Submission:

Ambry Genetics
Classification: Uncertain significance for Hereditary cancer-predisposing syndrome. Last evaluated: 2024-10-08. Review status: criteria provided, single submitter. Criteria: Ambry Variant Classification Scheme 2023. Collection method: clinical testing. Allele origin: germline.
Comment: The p.E146Q variant (also known as c.436G>C), located in coding exon 1 of the CDKN1B gene, results from a G to C substitution at nucleotide position 436. The glutamic acid at codon 146 is replaced by glutamine, an amino acid with highly similar properties. This amino acid position is conserved. In addition, this alteration is predicted to be tolerated by in silico analysis. Based on the available evidence, the clinical significance of this variant remains unclear.

NM_004064.5(CDKN1B):c.436G>C (p.Glu146Gln)

Gene: CDKN1B (cyclin dependent kinase inhibitor 1B; plus strand). Cytogenetic location: 12p13.1.
Variant type: single nucleotide variant.
Coding change: c.436G>C on transcript NM_004064.5 (MANE Select); coding-DNA position 436, G replaced by C.
Protein change: p.Glu146Gln; replaces glutamic acid 146 with glutamine.
Molecular consequence: missense variant.
Genome position (GRCh38, 1-based): chr12:12,718,275, G>C. VCF-style: chr12-12718275-G-C. GRCh37 (hg19) VCF-style: chr12-12871209-G-C.
Other names: short protein forms E146Q.
Identifiers: ClinVar variation 3489633 (VCV003489633.1).